The following is an entry in ClinVar:

ClinVar aggregate classification (germline): Pathogenic (1 of 4 stars; one submission).

Conditions:
Congenital lactic acidosis, Saguenay-Lac-Saint-Jean type (MC4DN5). Also called: CYTOCHROME c OXIDASE DEFICIENCY, FRENCH CANADIAN TYPE; COX DEFICIENCY, FRENCH CANADIAN TYPE; MITOCHONDRIAL COMPLEX IV DEFICIENCY, NUCLEAR TYPE 5. Identifiers: Orphanet 70472, MedGen C1857355, MONDO:0009069, OMIM 220111.

Submission:

Myriad Genetics, Inc.
Classification: Pathogenic for Congenital lactic acidosis, Saguenay-Lac-Saint-Jean type. Last evaluated: 2026-05-15. Review status: criteria provided, single submitter. Criteria: Myriad Autosomal Dominant, Autosomal Recessive and X-Linked Classification Criteria (2023). Collection method: clinical testing. Allele origin: unknown.
Comment: NM_133259.3(LRPPRC):c.1689delG(L563Ffs*26) is expected to be pathogenic in the context of Leigh syndrome, French-Canadian type. This variant is predicted to lead to an abnormal or absent protein product due to the creation of a premature termination codon in LRPPRC, a gene where loss-of-function variants are known to be pathogenic. Please note: this variant was assessed in the context of healthy population screening.

NM_133259.4(LRPPRC):c.1689del (p.Leu563fs)

Gene: LRPPRC (leucine rich pentatricopeptide repeat containing; minus strand). Cytogenetic location: 2p21.
Variant type: Deletion.
Coding change: c.1689del on transcript NM_133259.4 (MANE Select); coding-DNA position 1689, one base deleted (G; older notation c.1689delG).
Protein change: p.Leu563fs; shifts the reading frame from leucine 563.
Molecular consequence: frameshift variant.
Genome position (GRCh38, 1-based): chr2:43,949,648, C deleted on the plus strand (G on the coding strand, the reverse complement: LRPPRC is on the minus strand). VCF-style (leftmost placement, unchanged base first): chr2-43949647-AC-A. GRCh37 (hg19) VCF-style: chr2-44176786-AC-A.
Other names: short protein forms L563fs.
Identifiers: ClinVar variation 5015914 (VCV005015914.1).